The following is an entry in ClinVar:

ClinVar aggregate classification (germline): Pathogenic. Review status: criteria provided, multiple submitters, no conflicts (2 of 4 stars). 2 submissions from 2 submitters: Pathogenic (2). Last evaluated 2026-04-10.

Conditions:
Usher syndrome type 1F (USH1F). Also called: USHER SYNDROME, TYPE IF. Identifiers: Orphanet 231169, Orphanet 886, MedGen C1865885, MONDO:0011186, OMIM 602083.

Submissions (2):

Myriad Genetics, Inc.
Classification: Pathogenic for Usher syndrome type 1F. Last evaluated: 2026-04-10. Review status: criteria provided, single submitter. Criteria: Myriad Autosomal Dominant, Autosomal Recessive and X-Linked Classification Criteria (2023). Collection method: clinical testing. Allele origin: unknown.
Comment: NM_033056.3(PCDH15):c.2477dupT(L827Pfs*3) is expected to be pathogenic in the context of PCDH15-related disorders. This variant is predicted to lead to an abnormal or absent protein product due to the creation of a premature termination codon in PCDH15, a gene where loss-of-function variants are known to be pathogenic. Please note: this variant was assessed in the context of healthy population screening.

Labcorp Genetics (formerly Invitae), Labcorp
Classification: Pathogenic. Last evaluated: 2022-10-16. Review status: criteria provided, single submitter. Criteria: Invitae Variant Classification Sherloc (09022015). Collection method: clinical testing. Allele origin: germline.
Comment: For these reasons, this variant has been classified as Pathogenic. This variant has not been reported in the literature in individuals affected with PCDH15-related conditions. This variant is not present in population databases (gnomAD no frequency). This sequence change creates a premature translational stop signal (p.Leu827Profs*3) in the PCDH15 gene. It is expected to result in an absent or disrupted protein product. Loss-of-function variants in PCDH15 are known to be pathogenic (PMID: 11398101, 11487575, 14570705).

Literature cited by the submitters: PubMed 11398101 (cited by Labcorp Genetics (formerly Invitae), Labcorp); PubMed 11487575 (cited by Labcorp Genetics (formerly Invitae), Labcorp); PubMed 14570705 (cited by Labcorp Genetics (formerly Invitae), Labcorp).

NM_001384140.1(PCDH15):c.2477dup (p.Leu827fs)

Gene: PCDH15 (protocadherin related 15; minus strand). Cytogenetic location: 10q21.1.
Variant type: Duplication.
Coding change: c.2477dup on transcript NM_001384140.1 (MANE Select); coding-DNA position 2477, one base duplicated (T; older notation c.2477dupT).
Protein change: p.Leu827fs; shifts the reading frame from leucine 827.
Molecular consequence: frameshift variant.
Genome position (GRCh38, 1-based): chr10:54,022,941, A duplicated on the plus strand (T on the coding strand, the reverse complement: PCDH15 is on the minus strand). VCF-style (leftmost placement, unchanged base first): chr10-54022940-G-GA. GRCh37 (hg19) VCF-style: chr10-55782700-G-GA.
Other names: c.2492dup, p.Leu832fs (NM_001142763.2, NM_001142771.2); c.2477dup, p.Leu827fs (NM_001142764.2, NM_001142766.2, NM_001142770.3 and 5 more transcripts); c.2264dup, p.Leu756fs (NM_001142765.2); c.2366dup, p.Leu790fs (NM_001142767.2); c.2411dup, p.Leu805fs (NM_001142768.2, NM_001142773.2, NM_001354404.2); c.2513dup, p.Leu839Profs (NM_001142769.4); c.2498dup, p.Leu834fs (NM_001354411.2); short protein forms L834fs, L839fs, L756fs, L790fs, L805fs, L827fs, L832fs.
Identifiers: ClinVar variation 2035757 (VCV002035757.5), dbSNP rs2539202119, ClinGen allele CA2580082409.